The following is an entry in ClinVar:

NM_007194.4(CHEK2):c.862A>G (p.Ile288Val)

Gene: CHEK2 (checkpoint kinase 2; minus strand). Cytogenetic location: 22q12.1.
Variant type: single nucleotide variant.
Coding change: c.862A>G on transcript NM_007194.4 (MANE Select); coding-DNA position 862, A replaced by G.
Protein change: p.Ile288Val; replaces isoleucine 288 with valine.
Molecular consequence: missense variant.
Genome position (GRCh38, 1-based): chr22:28,703,551, T>C on the plus strand (A>G on the coding strand, the complement: CHEK2 is on the minus strand). VCF-style: chr22-28703551-T-C. GRCh37 (hg19) VCF-style: chr22-29099539-T-C.
Other names: c.991A>G, p.Ile331Val (NM_001005735.3); c.199A>G, p.Ile67Val (NM_001257387.3); c.661A>G, p.Ile221Val (NM_001349956.3); c.862A>G, p.Ile288Val (NM_145862.3); short protein forms I221V, I288V, I331V, I67V.
Identifiers: ClinVar variation 1764090 (VCV001764090.6), dbSNP rs1341939689, ClinGen allele CA411101252.

ClinVar aggregate classification (germline): Uncertain significance. Review status: criteria provided, multiple submitters, no conflicts (2 of 4 stars). 3 submissions from 3 submitters: Uncertain significance (3). Last evaluated 2025-03-12.

Conditions:
Hereditary cancer-predisposing syndrome. Also called: Neoplastic Syndromes, Hereditary; Tumor predisposition; Hereditary Cancer Syndrome; Hereditary neoplastic syndrome. Identifiers: Orphanet 140162, MedGen C0027672, MeSH D009386, MONDO:0015356.
Familial cancer of breast. Also called: hereditary breast carcinoma; BREAST CANCER, FAMILIAL; Hereditary breast cancer. Identifiers: Orphanet 227535, MedGen C0346153, MONDO:0016419, OMIM 114480. Disease mechanism: loss of function.

Allele frequency attached by ClinVar (database versions not stated): gnomAD exomes below 0.00001.
gnomAD v4.1: 2 of 1,561,252 alleles (0.00013%); highest among the groups gnomAD compares: Admixed American, 0.0035%; no homozygotes.

Submissions (3):

Ambry Genetics
Classification: Uncertain significance for Hereditary cancer-predisposing syndrome. Last evaluated: 2025-03-12. Review status: criteria provided, single submitter. Criteria: Ambry Variant Classification Scheme 2023. Collection method: clinical testing. Allele origin: germline.
Comment: The p.I288V variant (also known as c.862A>G), located in coding exon 7 of the CHEK2 gene, results from an A to G substitution at nucleotide position 862. The isoleucine at codon 288 is replaced by valine, an amino acid with highly similar properties. This amino acid position is highly conserved in available vertebrate species. In addition, this alteration is predicted to be tolerated by in silico analysis. Based on the available evidence, the clinical significance of this variant remains unclear.

Labcorp Genetics (formerly Invitae), Labcorp
Classification: Uncertain significance for Familial cancer of breast. Last evaluated: 2024-02-13. Review status: criteria provided, single submitter. Criteria: Invitae Variant Classification Sherloc (09022015). Collection method: clinical testing. Allele origin: germline.
Comment: This sequence change replaces isoleucine, which is neutral and non-polar, with valine, which is neutral and non-polar, at codon 288 of the CHEK2 protein (p.Ile288Val). This variant is present in population databases (no rsID available, gnomAD 0.007%). This variant has not been reported in the literature in individuals affected with CHEK2-related conditions. ClinVar contains an entry for this variant (Variation ID: 1764090). An algorithm developed to predict the effect of missense changes on protein structure and function (PolyPhen-2) suggests that this variant is likely to be tolerated. In summary, the available evidence is currently insufficient to determine the role of this variant in disease. Therefore, it has been classified as a Variant of Uncertain Significance.

Baylor Genetics
Classification: Uncertain significance for Familial cancer of breast. Last evaluated: 2023-06-13. Review status: criteria provided, single submitter. Criteria: ACMG Guidelines, 2015. Collection method: clinical testing. Allele origin: unknown.